The following is an entry in ClinVar:

ClinVar aggregate classification (germline): Likely pathogenic. Review status: criteria provided, multiple submitters, no conflicts (2 of 4 stars). 3 submissions from 3 submitters: Likely pathogenic (3). Last evaluated 2024-12-14.

Conditions:
Retinitis pigmentosa 26 (RP26). Identifiers: Orphanet 791, MedGen C1842127, MONDO:0012024, OMIM 608380.
Retinitis pigmentosa (RP). Identifiers: Orphanet 791, MedGen C0035334, MeSH D012174, MONDO:0019200, OMIM 268000. Inheritance: Autosomal dominant, autosomal recessive and X linked inheritance.

Allele frequency attached by ClinVar (database versions not stated): gnomAD 0.00001; gnomAD exomes 0.00002; TOPMed 0.00002.
gnomAD v4.1: 14 of 1,598,948 alleles (0.00088%); highest among the groups gnomAD compares: African/African-American, 0.004%; no homozygotes.

Submissions (4):

Labcorp Genetics (formerly Invitae), Labcorp
Classification: Likely pathogenic. Last evaluated: 2024-12-14. Review status: criteria provided, single submitter. Criteria: Invitae Variant Classification Sherloc (09022015). Collection method: clinical testing. Allele origin: germline.
Comment: This sequence change affects an acceptor splice site in intron 4 of the CERKL gene. It is expected to disrupt RNA splicing. Variants that disrupt the donor or acceptor splice site typically lead to a loss of protein function (PMID: 16199547), and loss-of-function variants in CERKL are known to be pathogenic (PMID: 14681825, 23591405, 24043777). This variant is present in population databases (no rsID available, gnomAD 0.009%). This variant has not been reported in the literature in individuals affected with CERKL-related conditions. ClinVar contains an entry for this variant (Variation ID: 1068300). Algorithms developed to predict the effect of sequence changes on RNA splicing suggest that this variant may disrupt the consensus splice site. In summary, the currently available evidence indicates that the variant is pathogenic, but additional data are needed to prove that conclusively. Therefore, this variant has been classified as Likely Pathogenic.

Fulgent Genetics
Classification: Likely pathogenic for Retinitis pigmentosa 26. Last evaluated: 2024-06-22. Review status: criteria provided, single submitter. Criteria: ACMG Guidelines, 2015. Collection method: clinical testing. Allele origin: germline.

Women's Health and Genetics/Laboratory Corporation of America, LabCorp
Classification: Likely pathogenic for Retinitis pigmentosa. Last evaluated: 2023-12-13. Review status: criteria provided, single submitter. Criteria: LabCorp Variant Classification Summary - May 2015. Collection method: clinical testing. Allele origin: germline.
Comment: Variant summary: CERKL c.678-1G>C is located in a canonical splice-site and is predicted to affect mRNA splicing resulting in a significantly altered protein due to either exon skipping, shortening, or inclusion of intronic material. Several computational tools predict a significant impact on normal splicing: Two predict the variant abolishes a canonical 3' acceptor site. However, these predictions have yet to be confirmed by functional studies. The variant allele was found at a frequency of 1.6e-05 in 245942 control chromosomes (gnomAD). To our knowledge, no occurrence of c.678-1G>C in individuals affected with Retinitis Pigmentosa and no experimental evidence demonstrating its impact on protein function have been reported. One submitter has cited clinical-significance assessments for this variant to ClinVar after 2014 and has classified the variant as likely pathogenic. Based on the evidence outlined above, the variant was classified as likely pathogenic.

Dr. Peter K. Rogan Lab, Western University
No classification provided (evidence only). Condition: Chronic lymphocytic leukemia/small lymphocytic lymphoma. Review status: no classification provided. Collection method: in vitro. Allele origin: not applicable. Functional consequence: retained intron. Not counted in ClinVar's aggregate classification.

Literature cited by the submitters: PubMed 16199547 (cited by Labcorp Genetics (formerly Invitae), Labcorp); PubMed 14681825 (cited by Labcorp Genetics (formerly Invitae), Labcorp); PubMed 23591405 (cited by Labcorp Genetics (formerly Invitae), Labcorp); PubMed 24043777 (cited by Labcorp Genetics (formerly Invitae), Labcorp).

NM_201548.5(CERKL):c.677+547G>C

Gene: CERKL (CERK like autophagy regulator; minus strand). Cytogenetic location: 2q31.3.
Variant type: single nucleotide variant.
Coding change: c.677+547G>C on transcript NM_201548.5 (MANE Select); 547 bases into the intron after coding-DNA position 677, G replaced by C.
Molecular consequence: intron variant. On other transcripts: splice acceptor variant (2).
Genome position (GRCh38, 1-based): chr2:181,565,511, C>G on the plus strand (G>C on the coding strand, the complement: CERKL is on the minus strand). VCF-style: chr2-181565511-C-G. GRCh37 (hg19) VCF-style: chr2-182430238-C-G.
Other names: c.482-15803G>C (NM_001030312.3); c.546-1G>C (NM_001160277.2); c.613+8242G>C (NM_001030313.3); c.678-1G>C (NM_001030311.3).
Identifiers: ClinVar variation 1068300 (VCV001068300.11), dbSNP rs1044562973, ClinGen allele CA61598535.